The following is an entry in ClinVar:

NM_025137.4(SPG11):c.257+1G>A

Gene: SPG11 (SPG11 vesicle trafficking associated, spatacsin; minus strand). Cytogenetic location: 15q21.1.
Variant type: single nucleotide variant.
Coding change: c.257+1G>A on transcript NM_025137.4 (MANE Select); the canonical splice donor site of the intron after coding-DNA position 257, G replaced by A.
Molecular consequence: splice donor variant.
Genome position (GRCh38, 1-based): chr15:44,663,390, C>T on the plus strand (G>A on the coding strand, the complement: SPG11 is on the minus strand). VCF-style: chr15-44663390-C-T. GRCh37 (hg19) VCF-style: chr15-44955588-C-T.
Other names: c.257+1G>A (NM_001411132.1, NM_001160227.2).
Identifiers: ClinVar variation 2780296 (VCV002780296.3), dbSNP rs1171509531, ClinGen allele CA392238474.

ClinVar aggregate classification (germline): Pathogenic (1 of 4 stars; one submission).

Conditions:
Hereditary spastic paraplegia 11. Also called: SPASTIC PARAPLEGIA, AUTOSOMAL RECESSIVE, COMPLICATED, WITH THIN CORPUS CALLOSUM; SPASTIC PARAPLEGIA, AUTOSOMAL RECESSIVE, WITH MENTAL IMPAIRMENT AND THIN CORPUS CALLOSUM; Spastic Paraplegia 11; Nakamura Osame syndrome; Autosomal recessive hereditary spastic paraplegia, mental impairment, and thin corpus callosum; Spastic paraplegia, mental retardation and thin corpus callosum. Identifiers: Orphanet 2822, MedGen C1858479, MONDO:0011445, OMIM 604360.

Allele frequency attached by ClinVar (database versions not stated): gnomAD exomes below 0.00001; gnomAD 0.00001.
gnomAD v4.1: 2 of 1,607,078 alleles (0.00012%); highest among the groups gnomAD compares: South Asian, 0.0011%; no homozygotes.

Submission:

Labcorp Genetics (formerly Invitae), Labcorp
Classification: Pathogenic for Hereditary spastic paraplegia 11. Last evaluated: 2023-08-11. Review status: criteria provided, single submitter. Criteria: Invitae Variant Classification Sherloc (09022015). Collection method: clinical testing. Allele origin: germline.
Comment: For these reasons, this variant has been classified as Pathogenic. Algorithms developed to predict the effect of sequence changes on RNA splicing suggest that this variant may disrupt the consensus splice site. Disruption of this splice site has been observed in individual(s) with SPG11 associated conditions (PMID: 34284285). In at least one individual the data is consistent with being in trans (on the opposite chromosome) from a pathogenic variant. It has also been observed to segregate with disease in related individuals. This variant is present in population databases (no rsID available, gnomAD 0.007%). This sequence change affects a donor splice site in intron 1 of the SPG11 gene. It is expected to disrupt RNA splicing. Variants that disrupt the donor or acceptor splice site typically lead to a loss of protein function (PMID: 16199547), and loss-of-function variants in SPG11 are known to be pathogenic (PMID: 19105190, 20110243, 22154821, 26556829).

Literature cited by the submitters: PubMed 34284285; PubMed 16199547; PubMed 19105190; PubMed 20110243; PubMed 22154821; PubMed 26556829.